The following is an entry in ClinVar:

ClinVar aggregate classification (germline): Uncertain significance (1 of 4 stars; one submission).

Conditions:
Cardiovascular phenotype. Identifiers: MedGen CN230736.

Allele frequency attached by ClinVar (database versions not stated): gnomAD 0.00002.
gnomAD v4.1: 2 of 1,207,177 alleles (0.00017%); highest among the groups gnomAD compares: African/African-American, 0.0035%; no homozygotes.

Submission:

Ambry Genetics
Classification: Uncertain significance for Cardiovascular phenotype. Last evaluated: 2021-06-03. Review status: criteria provided, single submitter. Criteria: Ambry Variant Classification Scheme 2023. Collection method: clinical testing. Allele origin: germline.
Comment: The p.P94H variant (also known as c.281C>A), located in coding exon 3 of the LAMP2 gene, results from a C to A substitution at nucleotide position 281. The proline at codon 94 is replaced by histidine, an amino acid with similar properties. Based on data from gnomAD, the A allele has an overall frequency of <0.01% (2/21667) total alleles studied, with 1 hemizygote observed. The highest observed frequency was <0.01% (2/5768) of African alleles. This amino acid position is poorly conserved in available vertebrate species. In addition, this alteration is predicted to be tolerated by in silico analysis. Since supporting evidence is limited at this time, the clinical significance of this alteration remains unclear.

NM_002294.3(LAMP2):c.281C>A (p.Pro94His)

Gene: LAMP2 (lysosomal associated membrane protein 2; minus strand). Cytogenetic location: Xq24.
Variant type: single nucleotide variant.
Coding change: c.281C>A on transcript NM_002294.3 (MANE Select); coding-DNA position 281, C replaced by A.
Protein change: p.Pro94His; replaces proline 94 with histidine.
Molecular consequence: missense variant.
Genome position (GRCh38, 1-based): chrX:120,455,473, G>T on the plus strand (C>A on the coding strand, the complement: LAMP2 is on the minus strand). VCF-style: chrX-120455473-G-T. GRCh37 (hg19) VCF-style: chrX-119589328-G-T.
Other names: c.281C>A, p.Pro94His (NM_001122606.1, NM_013995.2); short protein forms P94H.
Identifiers: ClinVar variation 1796418 (VCV001796418.2), dbSNP rs1348977041, ClinGen allele CA414403220.